The following is an entry in ClinVar:

NM_001267550.2(TTN):c.82659del (p.Glu27554fs)

Genes: TTN (titin; minus strand), TTN-AS1 (TTN antisense RNA 1; plus strand). Cytogenetic location: 2q31.2.
Variant type: Deletion.
Coding change: c.82659del on transcript NM_001267550.2 (MANE Select); coding-DNA position 82659, one base deleted (A; older notation c.82659delA).
Protein change: p.Glu27554fs; shifts the reading frame from glutamic acid 27554.
Molecular consequence: frameshift variant.
Genome position (GRCh38, 1-based): chr2:178,563,473, T deleted on the plus strand (A on the coding strand, the reverse complement: TTN is on the minus strand). VCF-style (leftmost placement, unchanged base first): chr2-178563472-CT-C. GRCh37 (hg19) VCF-style: chr2-179428199-CT-C.
Other names: c.77736del, p.Glu25913fs (NM_001256850.1); c.55464del, p.Glu18489fs (NM_003319.4); c.74955del, p.Glu24986fs (NM_133378.4); c.55839del, p.Glu18614fs (NM_133432.3); c.56040del, p.Glu18681fs (NM_133437.4); c.55464delA (NM_003319.4); short protein forms E18489fs, E25913fs, E27554fs, E18614fs, E18681fs, E24986fs.
Identifiers: ClinVar variation 1748215 (VCV001748215.2), dbSNP rs2468165346, ClinGen allele CA2580064691.

ClinVar aggregate classification (germline): Likely pathogenic (1 of 4 stars; one submission).

Conditions:
Cardiovascular phenotype. Identifiers: MedGen CN230736.

Submission:

Ambry Genetics
Classification: Likely pathogenic for Cardiovascular phenotype. Last evaluated: 2022-04-04. Review status: criteria provided, single submitter. Criteria: Ambry Variant Classification Scheme 2023. Collection method: clinical testing. Allele origin: germline.
Comment: The c.55464delA variant, located in coding exon 153 of the TTN gene, results from a deletion of one nucleotide at nucleotide position 55464, causing a translational frameshift with a predicted alternate stop codon (p.E18489Nfs*26). This exon is located in the A-band region of the N2-B isoform of the titin protein and is constitutively expressed in TTN transcripts (percent spliced in or PSI 100%). This variant is considered to be rare based on population cohorts in the Genome Aggregation Database (gnomAD). This alteration is expected to result in loss of function by premature protein truncation or nonsense-mediated mRNA decay. While truncating variants in TTN are present in 1-3% of the general population, truncating variants in the A-band are the most common cause of dilated cardiomyopathy (DCM) (Herman DS et al. N. Engl. J. Med., 2012 Feb;366:619-28; Roberts AM et al. Sci Transl Med, 2015 Jan;7:270ra6). TTN truncating variants encoded in constitutive exons (PSI >90%) have been found to be significantly associated with DCM regardless of their position in titin (Schafer S et al. Nat. Genet., 2017 01;49:46-53). As such, this alteration is classified as likely pathogenic.